The following is an entry in ClinVar:

ClinVar aggregate classification (germline): Likely benign (1 of 4 stars; one submission).

Submission:

CeGaT Center for Human Genetics Tuebingen
Classification: Likely benign. Last evaluated: 2023-04-01. Review status: criteria provided, single submitter. Criteria: CeGaT Center For Human Genetics Tuebingen Variant Classification Criteria Version 2. Collection method: clinical testing. Allele origin: germline. Affected: yes. Observed: 1 variant allele.
Comment: GGT2P: BP4

NR_172944.1(GGT2):n.1001C>T

Gene: GGT2 (gamma-glutamyltransferase 2; minus strand). Cytogenetic location: 22q11.21.
Variant type: single nucleotide variant.
Molecular consequence: non-coding transcript variant (on NR_172944.1).
Genome position: GRCh38 VCF-style: chr22-21225468-G-A. GRCh37 (hg19) VCF-style: chr22-21579757-G-A.
Identifiers: ClinVar variation 2652943 (VCV002652943.23), dbSNP rs2517349002, ClinGen allele CA513645040.